The following is an entry in ClinVar:

ClinVar aggregate classification (germline): Likely pathogenic (1 of 4 stars; one submission).

Conditions:
Autosomal recessive limb-girdle muscular dystrophy type 2J (LGMDR10). Also called: Limb-girdle muscular dystrophy, type 2J; MUSCULAR DYSTROPHY, LIMB-GIRDLE, AUTOSOMAL RECESSIVE 10. Identifiers: Orphanet 140922, MedGen C1837342, MONDO:0012127, OMIM 608807.
Dilated cardiomyopathy 1G (CMD1G). Identifiers: Orphanet 154, MedGen C1858763, MONDO:0011400, OMIM 604145.

Submission:

Labcorp Genetics (formerly Invitae), Labcorp
Classification: Likely pathogenic for Dilated cardiomyopathy 1G; Autosomal recessive limb-girdle muscular dystrophy type 2J. Last evaluated: 2024-10-18. Review status: criteria provided, single submitter. Criteria: Invitae Variant Classification Sherloc (09022015). Collection method: clinical testing. Allele origin: germline.
Comment: This sequence change creates a premature translational stop signal (p.Thr9104Serfs*15) in the TTN gene. While this is not anticipated to result in nonsense mediated decay, it is expected to create a truncated TTN protein. This variant is not present in population databases (gnomAD no frequency). This variant has not been reported in the literature in individuals affected with TTN-related conditions. ClinVar contains an entry for this variant (Variation ID: 2017939). This variant is located in the I band of TTN (PMID: 25589632). Truncating variants in this region have been reported in individuals affected with autosomal recessive centronuclear myopathy (PMID: 23975875, internal data). Truncating variants in this region have also been identified in individuals affected with autosomal dominant dilated cardiomyopathy and/or cardio-related conditions (PMID: 27869827, 32964742, internal data). In summary, the currently available evidence indicates that the variant is pathogenic, but additional data are needed to prove that conclusively. Therefore, this variant has been classified as Likely Pathogenic.

Literature cited by the submitters: PubMed 25589632; PubMed 23975875; PubMed 27869827; PubMed 32964742.

NM_001267550.2(TTN):c.27310_27314del (p.Thr9104fs)

Gene: TTN (titin; minus strand). Cytogenetic location: 2q31.2.
Variant type: Deletion.
Coding change: c.27310_27314del on transcript NM_001267550.2 (MANE Select); coding-DNA positions 27310 to 27314, 5 bases deleted (ACACA; older notation c.27310_27314delACACA).
Protein change: p.Thr9104fs; shifts the reading frame from threonine 9104.
Molecular consequence: frameshift variant. On other transcripts: intron variant (3).
Genome position (GRCh38, 1-based): chr2:178,712,711-178,712,715, TGTGT deleted on the plus strand (ACACA on the coding strand, the reverse complement: TTN is on the minus strand); deleting any 5 consecutive bases within chr2:178,712,711-178,712,718 gives the same sequence; the c. name uses the placement nearest the transcript's 3' end. VCF-style (leftmost placement, unchanged base first): chr2-178712710-ATGTGT-A. GRCh37 (hg19) VCF-style: chr2-179577437-ATGTGT-A.
Other names: c.26359_26363del, p.Thr8787fs (NM_001256850.1); c.23578_23582del, p.Thr7860fs (NM_133378.4); c.13282+25367_13282+25371del (NM_003319.4); c.13858+25367_13858+25371del (NM_133437.4); c.13657+25367_13657+25371del (NM_133432.3); short protein forms T7860fs, T9104fs, T8787fs.
Identifiers: ClinVar variation 2017939 (VCV002017939.4), dbSNP rs2528917275, ClinGen allele CA2580065116.